The following is an entry in ClinVar:

ClinVar aggregate classification (germline): Uncertain significance (1 of 4 stars; one submission).

Conditions:
Familial cancer of breast. Also called: hereditary breast carcinoma; BREAST CANCER, FAMILIAL; Hereditary breast cancer. Identifiers: Orphanet 227535, MedGen C0346153, MONDO:0016419, OMIM 114480. Disease mechanism: loss of function.

Submission:

Labcorp Genetics (formerly Invitae), Labcorp
Classification: Uncertain significance for Familial cancer of breast. Last evaluated: 2024-01-14. Review status: criteria provided, single submitter. Criteria: Invitae Variant Classification Sherloc (09022015). Collection method: clinical testing. Allele origin: germline.
Comment: This sequence change falls in intron 6 of the CHEK2 gene. It does not directly change the encoded amino acid sequence of the CHEK2 protein. RNA analysis indicates that this variant induces altered splicing and may result in an absent or disrupted protein product. This variant is not present in population databases (gnomAD no frequency). This variant has not been reported in the literature in individuals affected with CHEK2-related conditions. ClinVar contains an entry for this variant (Variation ID: 944040). Variants that disrupt the consensus splice site are a relatively common cause of aberrant splicing (PMID: 17576681, 9536098). Studies have shown that this variant results in activation of a cryptic splice site and introduces a premature termination codon (Invitae). The resulting mRNA is expected to undergo nonsense-mediated decay. In summary, the available evidence is currently insufficient to determine the role of this variant in disease. Therefore, it has been classified as a Variant of Uncertain Significance.

Literature cited by the submitters: PubMed 17576681; PubMed 9536098.

NM_007194.4(CHEK2):c.792+5_792+7del

Gene: CHEK2 (checkpoint kinase 2; minus strand). Cytogenetic location: 22q12.1.
Variant type: Deletion.
Coding change: c.792+5_792+7del on transcript NM_007194.4 (MANE Select); bases 5 to 7 of the intron after coding-DNA position 792, 3 bases deleted (GTA; older notation c.792+5_792+7delGTA).
Molecular consequence: intron variant.
Genome position (GRCh38, 1-based): chr22:28,711,902-28,711,904, TAC deleted on the plus strand (GTA on the coding strand, the reverse complement: CHEK2 is on the minus strand); deleting any 3 consecutive bases within chr22:28,711,902-28,711,905 gives the same sequence; the c. name uses the placement nearest the transcript's 3' end. VCF-style (leftmost placement, unchanged base first): chr22-28711901-GTAC-G. GRCh37 (hg19) VCF-style: chr22-29107889-GTAC-G.
Other names: c.129+5_129+7del (NM_001437942.1, NM_001257387.3); c.591+5_591+7del (NM_001349956.3); c.792+5_792+7del (NM_145862.3); c.885+5_885+7del (NM_001438295.1, NM_001438293.1); c.921+5_921+7del (NM_001438294.1, NM_001005735.3).
Identifiers: ClinVar variation 944040 (VCV000944040.8), dbSNP rs2053405998, ClinGen allele CA1139666364.